The following is an entry in ClinVar:

NM_002160.4(TNC):c.3196C>T (p.Arg1066Cys)

Gene: TNC (tenascin C; minus strand). Cytogenetic location: 9q33.1.
Variant type: single nucleotide variant.
Coding change: c.3196C>T on transcript NM_002160.4 (MANE Select); coding-DNA position 3196, C replaced by T.
Protein change: p.Arg1066Cys; replaces arginine 1066 with cysteine.
Molecular consequence: missense variant.
Genome position (GRCh38, 1-based): chr9:115,073,621, G>A on the plus strand (C>T on the coding strand, the complement: TNC is on the minus strand). VCF-style: chr9-115073621-G-A. GRCh37 (hg19) VCF-style: chr9-117835900-G-A.
Other names: short protein forms R1066C.
Identifiers: ClinVar variation 1317526 (VCV001317526.6), dbSNP rs139280264, ClinGen allele CA5208296.

ClinVar aggregate classification (germline): Likely benign. Review status: criteria provided, multiple submitters, no conflicts (2 of 4 stars). 4 submissions from 4 submitters: Likely benign (2). 2 of the submissions do not count toward it. Last evaluated 2024-11-15.

Conditions:
TNC-related disorder. Also called: TNC-related condition.
Meniere disease. Also called: Ménière's disease. Identifiers: MedGen C0025281, MONDO:0007972, OMIM 156000.

Allele frequency attached by ClinVar (database versions not stated): TOPMed 0.00083; ExAC 0.00085; ESP Exome Variant Server 0.00154; 1000 Genomes Project 30x 0.00016; 1000 Genomes Project 0.00020; gnomAD 0.00079.
gnomAD v4.1: 1,917 of 1,613,994 alleles (0.12%); highest among the groups gnomAD compares: Non-Finnish European, 0.15%; 1 homozygote.

Submissions (4):

Blueprint Genetics
Classification: Likely benign. Last evaluated: 2024-11-15. Review status: criteria provided, single submitter. Criteria: ACMG Guidelines, 2015. Collection method: clinical testing. Allele origin: germline.

GeneDx
Classification: Likely benign. Last evaluated: 2021-06-09. Review status: criteria provided, single submitter. Criteria: GeneDx Variant Classification Process June 2021. Collection method: clinical testing. Allele origin: germline. Affected: yes.

Center for Computational Biology & Bioinformatics, University of California, San Diego
Classification: Uncertain significance for Meniere disease. Last evaluated: 2024-06-03. Review status: no assertion criteria provided. Collection method: research. Allele origin: germline. Affected: yes. Not counted in ClinVar's aggregate classification.

PreventionGenetics, part of Exact Sciences
Classification: Likely benign for TNC-related condition. Last evaluated: 2022-01-19. Review status: no assertion criteria provided. Collection method: clinical testing. Allele origin: germline. Not counted in ClinVar's aggregate classification.
Comment: This variant is classified as likely benign based on ACMG/AMP sequence variant interpretation guidelines (Richards et al. 2015 PMID: 25741868, with internal and published modifications).